The following is an entry in ClinVar:

ClinVar aggregate classification (germline): Likely pathogenic (1 of 4 stars; one submission).

Conditions:
Inborn genetic diseases. Identifiers: MedGen C0950123, MeSH D030342.

Submission:

Ambry Genetics
Classification: Likely pathogenic for Inborn genetic diseases. Last evaluated: 2026-06-03. Review status: criteria provided, single submitter. Criteria: Ambry Variant Classification Scheme 2023. Collection method: clinical testing. Allele origin: germline.
Comment: The c.2651T>G (p.L884R) alteration is located in exon 8 (coding exon 8) of the IQSEC2 gene. This alteration results from a T to G substitution at nucleotide position 2651, causing the leucine (L) at amino acid position 884 to be replaced by an arginine (R). This variant was not reported in population-based cohorts in the Genome Aggregation Database (gnomAD). This amino acid position is highly conserved in available vertebrate species. This missense variant is located in a region that has a low rate of benign missense variation (Lek, 2016; Firth, 2009). This alteration is predicted to be deleterious by in silico analysis. Based on the available evidence, this alteration is classified as likely pathogenic.

NM_001111125.3(IQSEC2):c.2651T>G (p.Leu884Arg)

Gene: IQSEC2 (IQ motif and Sec7 domain ArfGEF 2; minus strand). Cytogenetic location: Xp11.22.
Variant type: single nucleotide variant.
Coding change: c.2651T>G on transcript NM_001111125.3 (MANE Select); coding-DNA position 2651, T replaced by G.
Protein change: p.Leu884Arg; replaces leucine 884 with arginine.
Molecular consequence: missense variant.
Genome position (GRCh38, 1-based): chrX:53,247,067, A>C on the plus strand (T>G on the coding strand, the complement: IQSEC2 is on the minus strand). VCF-style: chrX-53247067-A-C. GRCh37 (hg19) VCF-style: chrX-53276249-A-C.
Other names: c.2651T>G, p.Leu884Arg (NM_001410736.1, NM_001441092.1); c.2153T>G, p.Leu718Arg (NM_001441093.1); c.1940T>G, p.Leu647Arg (NM_001441094.1, NM_001441095.1); c.2036T>G, p.Leu679Arg (NM_015075.2); short protein forms L647R, L679R, L718R, L884R.
Identifiers: ClinVar variation 4858474 (VCV004858474.1).
Genomic context (GRCh38, chrX:53,247,067, plus strand): 5'-CGTTCAGCTTTGACGCTGGGACTGTACATGTCGGTATTGAGGAGGATGATGGCAAAAGCA[A>C]GGATGAAGATGGTGTCTGGGTTCCGGAACTGGCGCACGAGGGCTGGGTTACAGACACAGT-3'
Protein context (NP_001104595.1, residues 874-894): QFRNPDTIFI[Leu884Arg]AFAIILLNTD